The following is an entry in ClinVar:

NM_001029.5(RPS26):c.219C>G (p.Tyr73Ter)

Gene: RPS26 (ribosomal protein S26; plus strand). Cytogenetic location: 12q13.2.
Variant type: single nucleotide variant.
Coding change: c.219C>G on transcript NM_001029.5 (MANE Select); coding-DNA position 219, C replaced by G.
Protein change: p.Tyr73Ter; replaces tyrosine 73 with a stop codon.
Molecular consequence: nonsense.
Genome position (GRCh38, 1-based): chr12:56,043,400, C>G. VCF-style: chr12-56043400-C-G. GRCh37 (hg19) VCF-style: chr12-56437184-C-G.
Other names: c.219C>G, p.Tyr73Ter (LRG_1146t1); short protein forms Y73*.
Identifiers: ClinVar variation 489313 (VCV000489313.2), dbSNP rs150229551, ClinGen allele CA237624320.

ClinVar aggregate classification (germline): Pathogenic (1 of 4 stars; one submission).

Submission:

GeneDx
Classification: Pathogenic. Last evaluated: 2018-01-03. Review status: criteria provided, single submitter. Criteria: GeneDx Variant Classification (06012015). Collection method: clinical testing. Allele origin: germline. Affected: yes.
Comment: The Y73X nonsense variant in the RPS26 gene has not been published as a pathogenic variant, nor has it been reported as a benign variant to our knowledge. This variant is predicted to cause loss of normal protein function either through protein truncation or nonsense-mediated mRNA decay. It is not observed in large population cohorts (Lek et al., 2016). Based on currently available evidence, we consider Y73X to be pathogenic.